The following is an entry in ClinVar:

NM_001385012.1(NBEA):c.70G>A (p.Ala24Thr)

Gene: NBEA (neurobeachin; plus strand). Cytogenetic location: 13q13.3.
Variant type: single nucleotide variant.
Coding change: c.70G>A on transcript NM_001385012.1 (MANE Select); coding-DNA position 70, G replaced by A.
Protein change: p.Ala24Thr; replaces alanine 24 with threonine.
Molecular consequence: missense variant.
Genome position (GRCh38, 1-based): chr13:34,942,890, G>A. VCF-style: chr13-34942890-G-A. GRCh37 (hg19) VCF-style: chr13-35517027-G-A.
Other names: p.Ala24Thr; c.70G>A, p.Ala24Thr (NM_001379245.1, NM_015678.5); short protein forms A24T.
Identifiers: ClinVar variation 4683789 (VCV004683789.2).

ClinVar aggregate classification (germline): Likely benign. Review status: criteria provided, multiple submitters, no conflicts (2 of 4 stars). 2 submissions from 2 submitters: Likely benign (2). Last evaluated 2025-06-05.

Submissions (2):

Mayo Clinic Laboratories, Mayo Clinic
Classification: Likely benign. Last evaluated: 2025-06-05. Review status: criteria provided, single submitter. Criteria: ACMG Guidelines, 2015. Collection method: clinical testing. Allele origin: germline. Observed: 1 variant allele.
Comment: BS1, BP4_moderate

Blueprint Genetics
Classification: Likely benign. Last evaluated: 2024-08-26. Review status: criteria provided, single submitter. Criteria: ACMG Guidelines, 2015. Collection method: clinical testing. Allele origin: germline.